The following is an entry in ClinVar:

NM_001130009.3(GEN1):c.584G>C (p.Arg195Thr)

Gene: GEN1 (GEN1 Holliday junction 5' flap endonuclease; plus strand). Cytogenetic location: 2p24.2.
Variant type: single nucleotide variant.
Coding change: c.584G>C on transcript NM_001130009.3 (MANE Select); coding-DNA position 584, G replaced by C.
Protein change: p.Arg195Thr; replaces arginine 195 with threonine.
Molecular consequence: missense variant.
Genome position (GRCh38, 1-based): chr2:17,766,637, G>C. VCF-style: chr2-17766637-G-C. GRCh37 (hg19) VCF-style: chr2-17947904-G-C.
Other names: c.584G>C, p.Arg195Thr (NM_182625.5); short protein forms R195T.
Identifiers: ClinVar variation 4263001 (VCV004263001.1).

ClinVar aggregate classification (germline): Uncertain significance (1 of 4 stars; one submission).

Submission:

Ambry Genetics
Classification: Uncertain significance. Last evaluated: 2025-06-29. Review status: criteria provided, single submitter. Criteria: Ambry Variant Classification Scheme 2023. Collection method: clinical testing. Allele origin: germline.
Comment: The p.R195T variant (also known as c.584G>C), located in coding exon 4 of the GEN1 gene, results from a G to C substitution at nucleotide position 584. The arginine at codon 195 is replaced by threonine, an amino acid with similar properties. This amino acid position is conserved. In addition, this alteration is predicted to be deleterious by in silico analysis. Based on the available evidence, the clinical significance of this variant remains unclear.